The following is an entry in ClinVar:

NM_001267550.2(TTN):c.43000G>C (p.Glu14334Gln)

Gene: TTN (titin; minus strand). Cytogenetic location: 2q31.2.
Variant type: single nucleotide variant.
Coding change: c.43000G>C on transcript NM_001267550.2 (MANE Select); coding-DNA position 43000, G replaced by C.
Protein change: p.Glu14334Gln; replaces glutamic acid 14334 with glutamine.
Molecular consequence: missense variant.
Genome position (GRCh38, 1-based): chr2:178,633,273, C>G on the plus strand (G>C on the coding strand, the complement: TTN is on the minus strand). VCF-style: chr2-178633273-C-G. GRCh37 (hg19) VCF-style: chr2-179498000-C-G.
Other names: c.38077G>C, p.Glu12693Gln (NM_001256850.1); c.15805G>C, p.Glu5269Gln (NM_003319.4); c.35296G>C, p.Glu11766Gln (NM_133378.4); c.16180G>C, p.Glu5394Gln (NM_133432.3); c.16381G>C, p.Glu5461Gln (NM_133437.4); short protein forms E11766Q, E12693Q, E14334Q, E5269Q, E5394Q, E5461Q.
Identifiers: ClinVar variation 3768934 (VCV003768934.3).

ClinVar aggregate classification (germline): Uncertain significance. Review status: criteria provided, multiple submitters, no conflicts (2 of 4 stars). 3 submissions from 3 submitters: Uncertain significance (3). Last evaluated 2025-05-05.

Conditions:
TTN-related disorder. Also called: TTN-related disorders; TTN-related condition; TTN-related disease.

gnomAD v4.1: 56 of 1,613,228 alleles (0.0035%); highest among the groups gnomAD compares: Non-Finnish European, 0.0047%; no homozygotes.

Submissions (3):

PreventionGenetics, part of Exact Sciences
Classification: Uncertain significance for TTN-related condition. Last evaluated: 2025-05-05. Review status: criteria provided, single submitter. Criteria: ACMG Guidelines, 2015. Collection method: clinical testing. Allele origin: germline.
Comment: The TTN c.43000G>C variant is predicted to result in the amino acid substitution p.Glu14334Gln. To our knowledge, this variant has not been reported in the literature. This variant is reported in 0.0039% of alleles in individuals of European (Non-Finnish) descent in gnomAD. At this time, the clinical significance of this variant is uncertain due to the absence of conclusive functional and genetic evidence.

Women's Health and Genetics/Laboratory Corporation of America, LabCorp
Classification: Uncertain significance. Last evaluated: 2025-02-19. Review status: criteria provided, single submitter. Criteria: LabCorp Variant Classification Summary - May 2015. Collection method: clinical testing. Allele origin: germline.
Comment: Variant summary: TTN c.35296G>C (p.Glu11766Gln) results in a conservative amino acid change in the encoded protein sequence. Two of four in-silico tools predict a benign effect of the variant on protein function. The variant allele was found at a frequency of 2e-05 in 248392 control chromosomes (gnomAD). The available data on variant occurrences in the general population are insufficient to allow any conclusion about variant significance. To our knowledge, no occurrence of c.35296G>C in individuals affected with Autosomal Recessive Titinopathy and no experimental evidence demonstrating its impact on protein function have been reported. No submitters have cited clinical-significance assessments for this variant to ClinVar. Based on the evidence outlined above, the variant was classified as uncertain significance.

Revvity Omics, Revvity
Classification: Uncertain significance. Last evaluated: 2023-10-16. Review status: criteria provided, single submitter. Criteria: ACMG Guidelines, 2015. Collection method: clinical testing. Allele origin: germline.